The following is an entry in ClinVar:

ClinVar aggregate classification (germline): Uncertain significance. Review status: criteria provided, multiple submitters, no conflicts (2 of 4 stars). 7 submissions from 7 submitters: Uncertain significance (7). Last evaluated 2026-09-12.

Conditions:
Loeys-Dietz syndrome (LDS). Identifiers: Orphanet 60030, MedGen C2697932, MONDO:0018954.
Familial thoracic aortic aneurysm and aortic dissection (TAAD). Also called: Thoracic aortic aneurysms and dissections. Identifiers: Orphanet 91387, MedGen C4707243, MONDO:0019625.
Ehlers-Danlos syndrome (EDS). Identifiers: Orphanet 98249, MedGen C0013720, MONDO:0020066.

Allele frequency attached by ClinVar (database versions not stated): ExAC 0.00001; gnomAD exomes 0.00001 and 0.00002; gnomAD 0.00002.
gnomAD v4.1: 12 of 1,613,890 alleles (0.00074%); highest among the groups gnomAD compares: Non-Finnish European, 0.00093%; no homozygotes.

Submissions (7):

GeneDx
Classification: Uncertain significance. Last evaluated: 2026-09-12. Review status: criteria provided, single submitter. Criteria: GeneDx Variant Classification Process June 2021. Collection method: clinical testing. Allele origin: germline.
Comment: Has not been previously published as pathogenic or benign to our knowledge; Not observed at significant frequency in large population cohorts (gnomAD); In silico analysis suggests that this missense variant does not alter protein structure/function

All of Us Research Program, National Institutes of Health
Classification: Uncertain significance for Loeys-Dietz syndrome. Last evaluated: 2024-08-06. Review status: criteria provided, single submitter. Criteria: ACMG Guidelines, 2015. Collection method: clinical testing. Allele origin: germline. Inheritance: Autosomal dominant inheritance. Observed: 6 variant alleles, 6 heterozygotes.
Comment: This missense variant replaces threonine with serine at codon 98 of the TGFBR1 protein. Computational prediction suggests that this variant may not impact protein structure and function (internally defined REVEL score threshold <= 0.5, PMID: 27666373). To our knowledge, functional studies have not been reported for this variant. This variant has not been reported in individuals affected with cardiovascular disorders in the literature. This variant has been identified in 5/282302 chromosomes in the general population by the Genome Aggregation Database (gnomAD). The available evidence is insufficient to determine the role of this variant in disease conclusively. Therefore, this variant is classified as a Variant of Uncertain Significance.

This study involves interpretation of variants in research participants for the purpose of population health screening. Participant phenotype was not available at the time of variant classification. Additional details can be found in publication PMID: 35346344, PMCID: PMC8962531

Color Diagnostics, LLC DBA Color Health
Classification: Uncertain significance for Familial thoracic aortic aneurysm and aortic dissection. Last evaluated: 2024-03-06. Review status: criteria provided, single submitter. Criteria: ACMG Guidelines, 2015. Collection method: clinical testing. Allele origin: germline.
Comment: This missense variant replaces threonine with serine at codon 98 of the TGFBR1 protein. Computational prediction suggests that this variant may not impact protein structure and function (internally defined REVEL score threshold <= 0.5, PMID: 27666373). To our knowledge, functional studies have not been reported for this variant. This variant has not been reported in individuals affected with cardiovascular disorders in the literature. This variant has been identified in 5/282302 chromosomes in the general population by the Genome Aggregation Database (gnomAD). The available evidence is insufficient to determine the role of this variant in disease conclusively. Therefore, this variant is classified as a Variant of Uncertain Significance.

Labcorp Genetics (formerly Invitae), Labcorp
Classification: Uncertain significance for Familial thoracic aortic aneurysm and aortic dissection. Last evaluated: 2022-06-15. Review status: criteria provided, single submitter. Criteria: Invitae Variant Classification Sherloc (09022015). Collection method: clinical testing. Allele origin: germline.
Comment: This sequence change replaces threonine, which is neutral and polar, with serine, which is neutral and polar, at codon 98 of the TGFBR1 protein (p.Thr98Ser). This variant is present in population databases (rs780295872, gnomAD 0.01%). This variant has not been reported in the literature in individuals affected with TGFBR1-related conditions. ClinVar contains an entry for this variant (Variation ID: 547808). Advanced modeling of protein sequence and biophysical properties (such as structural, functional, and spatial information, amino acid conservation, physicochemical variation, residue mobility, and thermodynamic stability) performed at Invitae indicates that this missense variant is not expected to disrupt TGFBR1 protein function. In summary, the available evidence is currently insufficient to determine the role of this variant in disease. Therefore, it has been classified as a Variant of Uncertain Significance.

Genome Diagnostics Laboratory, The Hospital for Sick Children
Classification: Uncertain significance for Ehlers-Danlos syndrome. Last evaluated: 2019-03-14. Review status: criteria provided, single submitter. Criteria: ACMG Guidelines, 2015. Collection method: clinical testing. Allele origin: germline.

CHEO Genetics Diagnostic Laboratory, Children's Hospital of Eastern Ontario
Classification: Uncertain significance for Familial thoracic aortic aneurysm and aortic dissection. Last evaluated: 2018-03-05. Review status: criteria provided, single submitter. Criteria: ACMG Guidelines, 2015. Collection method: clinical testing. Allele origin: germline.

Center for Human Genetics, Inc
Classification: Uncertain significance for Familial thoracic aortic aneurysm and aortic dissection. Last evaluated: 2016-11-01. Review status: criteria provided, single submitter. Criteria: ACMG Guidelines, 2015. Collection method: clinical testing. Allele origin: germline. Affected: yes.

NM_004612.4(TGFBR1):c.292A>T (p.Thr98Ser)

Gene: TGFBR1 (transforming growth factor beta receptor 1; plus strand). Cytogenetic location: 9q22.33.
Variant type: single nucleotide variant.
Coding change: c.292A>T on transcript NM_004612.4 (MANE Select); coding-DNA position 292, A replaced by T.
Protein change: p.Thr98Ser; replaces threonine 98 with serine.
Molecular consequence: missense variant.
Genome position (GRCh38, 1-based): chr9:99,129,049, A>T. VCF-style: chr9-99129049-A-T. GRCh37 (hg19) VCF-style: chr9-101891331-A-T.
Other names: c.292A>T, p.Thr98Ser (NM_001130916.3, NM_001306210.2); c.292A>T (NM_004612.3); short protein forms T98S.
Identifiers: ClinVar variation 547808 (VCV000547808.20), dbSNP rs780295872, ClinGen allele CA041405.